The following is an entry in ClinVar:

ClinVar aggregate classification (germline): Uncertain significance. Review status: criteria provided, multiple submitters, no conflicts (2 of 4 stars). 2 submissions from 2 submitters: Uncertain significance (2). Last evaluated 2022-09-06.

Conditions:
Inborn genetic diseases. Identifiers: MedGen C0950123, MeSH D030342.

Allele frequency attached by ClinVar (database versions not stated): gnomAD 0.00005 and 0.00006; TOPMed 0.00005; ESP Exome Variant Server 0.00008.
gnomAD v4.1: 12 of 1,607,550 alleles (0.00075%); highest among the groups gnomAD compares: African/African-American, 0.015%; no homozygotes.

Submissions (2):

Ambry Genetics
Classification: Uncertain significance for Inborn genetic diseases. Last evaluated: 2022-09-06. Review status: criteria provided, single submitter. Criteria: Ambry Variant Classification Scheme 2023. Collection method: clinical testing. Allele origin: germline.

Labcorp Genetics (formerly Invitae), Labcorp
Classification: Uncertain significance. Last evaluated: 2022-02-05. Review status: criteria provided, single submitter. Criteria: Invitae Variant Classification Sherloc (09022015). Collection method: clinical testing. Allele origin: germline.
Comment: In summary, the available evidence is currently insufficient to determine the role of this variant in disease. Therefore, it has been classified as a Variant of Uncertain Significance. Algorithms developed to predict the effect of missense changes on protein structure and function (SIFT, PolyPhen-2, Align-GVGD) all suggest that this variant is likely to be disruptive. This variant has not been reported in the literature in individuals affected with KIAA1549-related conditions. This variant is present in population databases (rs369296872, gnomAD 0.02%). This sequence change replaces aspartic acid, which is acidic and polar, with valine, which is neutral and non-polar, at codon 1753 of the KIAA1549 protein (p.Asp1753Val).

NM_001164665.2(KIAA1549):c.5258A>T (p.Asp1753Val)

Gene: KIAA1549 (KIAA1549; minus strand). Cytogenetic location: 7q34.
Variant type: single nucleotide variant.
Coding change: c.5258A>T on transcript NM_001164665.2 (MANE Select); coding-DNA position 5258, A replaced by T.
Protein change: p.Asp1753Val; replaces aspartic acid 1753 with valine.
Molecular consequence: missense variant.
Genome position (GRCh38, 1-based): chr7:138,852,259, T>A on the plus strand (A>T on the coding strand, the complement: KIAA1549 is on the minus strand). VCF-style: chr7-138852259-T-A. GRCh37 (hg19) VCF-style: chr7-138537005-T-A.
Other names: c.5258A>T, p.Asp1753Val (NM_020910.3); c.5258A>T (NM_001164665.1); short protein forms D1753V.
Identifiers: ClinVar variation 1499219 (VCV001499219.8), dbSNP rs369296872, ClinGen allele CA167140772.